The following is an entry in ClinVar:

NM_015662.3(IFT172):c.2280G>A (p.Gln760=)

Gene: IFT172 (intraflagellar transport 172; minus strand). Cytogenetic location: 2p23.3.
Variant type: single nucleotide variant.
Coding change: c.2280G>A on transcript NM_015662.3 (MANE Select); coding-DNA position 2280, G replaced by A.
Protein change: p.Gln760=; no amino-acid change (glutamine 760 retained).
Molecular consequence: synonymous variant.
Genome position (GRCh38, 1-based): chr2:27,461,431, C>T on the plus strand (G>A on the coding strand, the complement: IFT172 is on the minus strand). VCF-style: chr2-27461431-C-T. GRCh37 (hg19) VCF-style: chr2-27684298-C-T.
Other names: c.2214G>A, p.Gln738= (NM_001410739.1).
Identifiers: ClinVar variation 4993063 (VCV004993063.1).

ClinVar aggregate classification (germline): Likely benign (1 of 4 stars; one submission).

Conditions:
IFT172-related disorder. Also called: IFT172-related condition; IFT172-related disorders.

Submission:

PreventionGenetics, part of Exact Sciences
Classification: Likely benign for IFT172-related condition. Last evaluated: 2026-09-24. Review status: criteria provided, single submitter. Criteria: ACMG Guidelines, 2015. Collection method: clinical testing. Allele origin: germline.
Comment: This variant is classified as likely benign based on ACMG/AMP sequence variant interpretation guidelines (Richards et al. 2015 PMID: 25741868, with internal and published modifications).